The following is an entry in ClinVar:

NC_000001.11:g.(?_161356667)_(161362443_?)del

Gene: SDHC (succinate dehydrogenase complex subunit C; plus strand). Cytogenetic location: 1q23.3.
Variant type: Deletion.
Identifiers: ClinVar variation 650709 (VCV000650709.2).

ClinVar aggregate classification (germline): Pathogenic (1 of 4 stars; one submission).

Conditions:
Pheochromocytoma/paraganglioma syndrome 3. Also called: SDHC-Related Hereditary Paraganglioma-Pheochromocytoma Syndrome (Paragangliomas 3); SDHC-Related Hereditary Paraganglioma-Pheochromocytoma Syndrome; GLOMUS TUMORS, FAMILIAL, 3; Paragangliomas 3. Identifiers: Orphanet 29072, MedGen C1854336, MONDO:0011544, OMIM 605373.
Gastrointestinal stromal tumor. Also called: Gastrointestinal stromal tumor, somatic; Gastrointestinal stroma tumor. Identifiers: Orphanet 44890, MedGen C0238198, MeSH D046152, MONDO:0011719, OMIM 606764, HP:0100723.

Submission:

Labcorp Genetics (formerly Invitae), Labcorp
Classification: Pathogenic for Paragangliomas 3; Gastrointestinal stroma tumor. Last evaluated: 2019-04-04. Review status: criteria provided, single submitter. Criteria: Invitae Variant Classification Sherloc (09022015). Collection method: clinical testing. Allele origin: germline.
Comment: This variant is a gross deletion of the genomic region encompassing exons 5-6 of the SDHC gene. The 5' boundary is likely confined to intron 4. The 3' end of this event is unknown as it extends through the termination codon beyond the assayed region for this gene and may encompass additional genes. While this deletion is not anticipated to result in nonsense mediated decay, it is expected to create a truncated protein product or disrupt mRNA translation. A deletion of exons 5-6 has been observed in individuals affected with paraganglioma and pheochromocytoma (PGL/PCC) syndrome (PMID: 19546167, 27485256). Sub-genic deletion of exon 6 has been determined to be pathogenic (PMID: 15342702). Therefore, deletions that fully encompass that region are also expected to be pathogenic. For these reasons, this variant has been classified as Pathogenic.

Literature cited by the submitters: PubMed 27485256; PubMed 19546167; PubMed 15342702.